The following is an entry in ClinVar:

ClinVar aggregate classification (germline): Uncertain significance (1 of 4 stars; one submission).

Conditions:
Baller-Gerold syndrome (BGS). Also called: CRANIOSYNOSTOSIS WITH RADIAL DEFECTS. Identifiers: Orphanet 1225, MedGen C0265308, MONDO:0009039, OMIM 218600.

Submission:

Labcorp Genetics (formerly Invitae), Labcorp
Classification: Uncertain significance for Baller-Gerold syndrome. Last evaluated: 2023-05-21. Review status: criteria provided, single submitter. Criteria: Invitae Variant Classification Sherloc (09022015). Collection method: clinical testing. Allele origin: germline.
Comment: In summary, the available evidence is currently insufficient to determine the role of this variant in disease. Therefore, it has been classified as a Variant of Uncertain Significance. Variants that disrupt the consensus splice site are a relatively common cause of aberrant splicing (PMID: 17576681, 9536098). Algorithms developed to predict the effect of sequence changes on RNA splicing suggest that this variant is not likely to affect RNA splicing. This variant has not been reported in the literature in individuals affected with RECQL4-related conditions. This variant is not present in population databases (gnomAD no frequency). This sequence change falls in intron 12 of the RECQL4 gene. It does not directly change the encoded amino acid sequence of the RECQL4 protein. It affects a nucleotide within the consensus splice site.

Literature cited by the submitters: PubMed 17576681; PubMed 9536098.

NM_004260.4(RECQL4):c.2058+4G>C

Gene: RECQL4 (RecQ like helicase 4; minus strand). Cytogenetic location: 8q24.3.
Variant type: single nucleotide variant.
Coding change: c.2058+4G>C on transcript NM_004260.4 (MANE Select); 4 bases into the intron after coding-DNA position 2058, G replaced by C.
Molecular consequence: intron variant.
Genome position (GRCh38, 1-based): chr8:144,513,924, C>G on the plus strand (G>C on the coding strand, the complement: RECQL4 is on the minus strand). VCF-style: chr8-144513924-C-G. GRCh37 (hg19) VCF-style: chr8-145739308-C-G.
Other names: c.855+4G>C (NM_001413037.1); c.987+4G>C (NM_001413038.1, NM_001413022.1, NM_001413023.1 and 6 more transcripts); c.2058+4G>C (NM_001413018.1, NM_001413036.1, NM_001413019.1); c.591+4G>C (NM_001413043.1); c.789+4G>C (NM_001413031.1); c.921+4G>C (NM_001413030.1, NM_001413041.1, NM_001413032.1 and 1 more transcripts); c.957+4G>C (NM_001413042.1); c.1929+4G>C (NM_001413025.1); and 4 more.
Identifiers: ClinVar variation 2866545 (VCV002866545.3), dbSNP rs369280644, ClinGen allele CA2739269070.